The following is an entry in ClinVar:

NM_001320.7(CSNK2B):c.558-1G>A

Gene: CSNK2B (casein kinase 2 beta; plus strand). Cytogenetic location: 6p21.33.
Variant type: single nucleotide variant.
Coding change: c.558-1G>A on transcript NM_001320.7 (MANE Select); the canonical splice acceptor site of the intron before coding-DNA position 558, G replaced by A.
Molecular consequence: splice acceptor variant.
Genome position (GRCh38, 1-based): chr6:31,669,835, G>A. VCF-style: chr6-31669835-G-A. GRCh37 (hg19) VCF-style: chr6-31637612-G-A.
Other names: c.549-1G>A (NM_001282385.2); c.558-1G>A (NM_001320.6).
Identifiers: ClinVar variation 4851543 (VCV004851543.2).

ClinVar aggregate classification (germline): Likely pathogenic. Review status: criteria provided, multiple submitters, no conflicts (2 of 4 stars). 2 submissions from 2 submitters: Likely pathogenic (2). Last evaluated 2025-10-17.

Conditions:
Developmental and epileptic encephalopathy. Identifiers: MedGen C5779964, MONDO:0100620.
CSNK2B-related disorder. Also called: CSNK2B-related condition.

Submissions (2):

PreventionGenetics, part of Exact Sciences
Classification: Likely pathogenic for CSNK2B-related condition. Last evaluated: 2025-10-17. Review status: criteria provided, single submitter. Criteria: ACMG Guidelines, 2015. Collection method: clinical testing. Allele origin: germline.
Comment: The CSNK2B c.558-1G>A variant is predicted to disrupt the AG splice acceptor site and interfere with normal splicing. To our knowledge, this variant has not been reported in the literature or in a large population database (gnomAD), indicating this variant is rare. Alternate variants of this splice junction (c.558-3T>G, c.558-2A>G) have been reported in individuals affected with CSNK2B-related disorders (Yang et al. 2021. PubMed ID: 34370157; Ernst et al. 2021. PubMed ID: 34041744; Kaplanis et al. 2020. PubMed ID: 33057194; Zhou et al. 2022. PubMed ID: 35982159). Variants that disrupt the consensus splice acceptor site in CSNK2B are expected to be pathogenic. This variant is interpreted as likely pathogenic.

Unidad de Genómica Garrahan, Hospital de Pediatría Garrahan
Classification: Likely pathogenic for Developmental and epileptic encephalopathy. Last evaluated: 2024-01-01. Review status: criteria provided, single submitter. Criteria: ACMG Guidelines, 2015. Collection method: clinical testing. Allele origin: germline. Affected: yes. Observed: 1 variant allele.
Comment: PVS1, PM2. This variant would affect the acceptor splice consensus sequence of intron 6.